The following is an entry in ClinVar:

ClinVar aggregate classification (germline): Pathogenic. Review status: reviewed by expert panel (3 of 4 stars). 8 submissions from 8 submitters: Pathogenic (1). 7 of the submissions do not count toward it. Last evaluated 2016-09-08.

Conditions:
Hereditary breast ovarian cancer syndrome. Also called: Hereditary breast and ovarian cancer syndrome; Hereditary breast and ovarian cancer; Hereditary breast and ovarian cancer syndrome (HBOC); Breast and ovarian cancer; Hereditary breast and/or ovarian cancer syndrome; BRCA1- and BRCA2-Associated Hereditary Breast and Ovarian Cancer. Identifiers: Orphanet 145, MedGen C0677776, MeSH D061325, MONDO:0003582. Disease mechanism: loss of function.
Hereditary cancer-predisposing syndrome. Also called: Neoplastic Syndromes, Hereditary; Tumor predisposition; Hereditary neoplastic syndrome; Hereditary Cancer Syndrome. Identifiers: Orphanet 140162, MedGen C0027672, MeSH D009386, MONDO:0015356.
Breast-ovarian cancer, familial, susceptibility to, 2 (BROVCA2). Also called: BRCA2 Hereditary Breast and Ovarian Cancer. Identifiers: Orphanet 145, MedGen C2675520, MONDO:0012933, OMIM 612555. Disease mechanism: loss of function.

Submissions (8):

Evidence-based Network for the Interpretation of Germline Mutant Alleles (ENIGMA)
Classification: Pathogenic for Breast-ovarian cancer, familial, susceptibility to, 2. Last evaluated: 2016-09-08. Review status: reviewed by expert panel. Criteria: ENIGMA BRCA1/2 Classification Criteria (2015). Collection method: curation. Allele origin: germline.
Comment: Variant allele predicted to encode a truncated non-functional protein.

GeneDx
Classification: Pathogenic. Last evaluated: 2025-05-05. Review status: criteria provided, single submitter. Criteria: GeneDx Variant Classification Process June 2021. Collection method: clinical testing. Allele origin: germline. Affected: yes. Not counted in ClinVar's aggregate classification.
Comment: Observed in individuals with BRCA2-related cancers (PMID: 15131399, 16912212); Frameshift variant predicted to result in protein truncation or nonsense mediated decay in a gene for which loss of function is a known mechanism of disease; Truncating variants in this gene are considered pathogenic by a well-established clinical consortium and/or database; Not observed at significant frequency in large population cohorts (gnomAD); Also known as 5682delA; This variant is associated with the following publications: (PMID: 31853058, 20104584, 16912212, 15131399)

Labcorp Genetics (formerly Invitae), Labcorp
Classification: Pathogenic for Hereditary breast ovarian cancer syndrome. Last evaluated: 2024-09-19. Review status: criteria provided, single submitter. Criteria: Invitae Variant Classification Sherloc (09022015). Collection method: clinical testing. Allele origin: germline. Not counted in ClinVar's aggregate classification.
Comment: This sequence change creates a premature translational stop signal (p.Cys1820Alafs*20) in the BRCA2 gene. It is expected to result in an absent or disrupted protein product. Loss-of-function variants in BRCA2 are known to be pathogenic (PMID: 20104584). This variant is not present in population databases (gnomAD no frequency). This premature translational stop signal has been observed in individual(s) with breast and/or ovarian cancer (PMID: 15131399). This variant is also known as 5682delA. ClinVar contains an entry for this variant (Variation ID: 51864). For these reasons, this variant has been classified as Pathogenic.

Ambry Genetics
Classification: Pathogenic for Hereditary cancer-predisposing syndrome. Last evaluated: 2024-08-08. Review status: criteria provided, single submitter. Criteria: Ambry Variant Classification Scheme 2023. Collection method: clinical testing. Allele origin: germline. Not counted in ClinVar's aggregate classification.
Comment: The c.5454delA pathogenic mutation, located in coding exon 10 of the BRCA2 gene, results from a deletion of one nucleotide at nucleotide position 5454, causing a translational frameshift with a predicted alternate stop codon (p.C1820Afs*20). This variant has been identified in multiple families with breast and/or ovarian cancer diagnoses (Lubinski J et al. Fam. Cancer. 2004;3:1-10; Malone KE et al. Cancer Res, 2006 Aug;66:8297-308). Of note, this alteration is also described in the literature as 5682delA. This variant is considered to be rare based on population cohorts in the Genome Aggregation Database (gnomAD). In addition to the clinical data presented in the literature, this alteration is expected to result in loss of function by premature protein truncation or nonsense-mediated mRNA decay. As such, this alteration is interpreted as a disease-causing mutation.

Color Diagnostics, LLC DBA Color Health
Classification: Pathogenic for Hereditary cancer-predisposing syndrome. Last evaluated: 2020-01-15. Review status: criteria provided, single submitter. Criteria: ACMG Guidelines, 2015. Collection method: clinical testing. Allele origin: germline. Not counted in ClinVar's aggregate classification.
Comment: This variant deletes 1 nucleotide in exon 11 of the BRCA2 gene, creating a frameshift and premature translation stop signal. This variant is expected to result in an absent or non-functional protein product. This variant has not been identified in the general population by the Genome Aggregation Database (gnomAD). Loss of BRCA2 function is a known mechanism of disease. Based on the available evidence, this variant is classified as Pathogenic.

Women's Health and Genetics/Laboratory Corporation of America, LabCorp
Classification: Pathogenic for Hereditary breast and ovarian cancer syndrome. Last evaluated: 2019-06-07. Review status: criteria provided, single submitter. Criteria: LabCorp Variant Classification Summary - May 2015. Collection method: clinical testing. Allele origin: germline. Not counted in ClinVar's aggregate classification.
Comment: Variant summary: BRCA2 c.5454delA (p.Cys1820AlafsX20) results in a premature termination codon, predicted to cause a truncation of the encoded protein or absence of the protein due to nonsense mediated decay, which are commonly known mechanisms for disease. The variant was absent in 251092 control chromosomes (gnomAD). The variant, c.5454delA, has been reported in the literature in individuals with personal- or family history of Hereditary Breast and Ovarian Cancer (Lubinski_2004, Malone_2006). To our knowledge, no experimental evidence demonstrating an impact on protein function has been reported. Three submitters, including one expert panel (ENIGMA), have provided clinical-significance assessments for this variant in ClinVar after 2014 (without evidence for independent evaluation), and classified the variant as pathogenic. Based on the evidence outlined above, the variant was classified as pathogenic.

Research Molecular Genetics Laboratory, Women's College Hospital, University of Toronto
Classification: Pathogenic for Hereditary breast ovarian cancer syndrome. Last evaluated: 2014-01-31. Review status: no assertion criteria provided. Collection method: research. Allele origin: germline. Affected: yes. Study: The Canadian Open Genetics Repository (COGR). Not counted in ClinVar's aggregate classification.

Breast Cancer Information Core (BIC) (BRCA2)
Classification: Pathogenic for Breast-ovarian cancer, familial 2. Review status: no assertion criteria provided. Collection method: clinical testing. Allele origin: germline. Affected: yes. Observed: 1 variant allele. Not counted in ClinVar's aggregate classification.

Literature cited by the submitters: PubMed 20104584 (cited by Labcorp Genetics (formerly Invitae), Labcorp); PubMed 15131399 (cited by Labcorp Genetics (formerly Invitae), Labcorp and Women's Health and Genetics/Laboratory Corporation of America, LabCorp); PubMed 16912212 (cited by Ambry Genetics and Women's Health and Genetics/Laboratory Corporation of America, LabCorp).

NM_000059.4(BRCA2):c.5454del (p.Cys1820fs)

Gene: BRCA2 (BRCA2 DNA repair associated; plus strand). Cytogenetic location: 13q13.1.
Variant type: Deletion.
Coding change: c.5454del on transcript NM_000059.4 (MANE Select); coding-DNA position 5454, one base deleted (A; older notation c.5454delA).
Protein change: p.Cys1820fs; shifts the reading frame from cysteine 1820.
Molecular consequence: frameshift variant.
Genome position (GRCh38, 1-based): chr13:32,339,809, A deleted. VCF-style (leftmost placement, unchanged base first): chr13-32339808-CA-C. GRCh37 (hg19) VCF-style: chr13-32913945-CA-C.
Other names: 5682delA; c.5454delA (NM_000059.3); short protein forms C1820fs.
Identifiers: ClinVar variation 51864 (VCV000051864.24), dbSNP rs80359513, ClinGen allele CA022345.